The following is an entry in ClinVar:

ClinVar aggregate classification (germline): Uncertain significance. Review status: criteria provided, multiple submitters, no conflicts (2 of 4 stars). 3 submissions from 3 submitters: Uncertain significance (3). Last evaluated 2026-07-08.

Conditions:
Inborn genetic diseases. Identifiers: MedGen C0950123, MeSH D030342.

Allele frequency attached by ClinVar (database versions not stated): TOPMed below 0.00001; ExAC 0.00002; gnomAD exomes 0.00001.

Submissions (3):

Ambry Genetics
Classification: Uncertain significance for Inborn genetic diseases. Last evaluated: 2026-07-08. Review status: criteria provided, single submitter. Criteria: Ambry Variant Classification Scheme 2023. Collection method: clinical testing. Allele origin: germline.

Mayo Clinic Laboratories, Mayo Clinic
Classification: Uncertain significance. Last evaluated: 2024-06-18. Review status: criteria provided, single submitter. Criteria: ACMG Guidelines, 2015. Collection method: clinical testing. Allele origin: germline. Observed: 1 variant allele.
Comment: BP4

Labcorp Genetics (formerly Invitae), Labcorp
Classification: Uncertain significance for Combined immunodeficiency due to DOCK8 deficiency. Last evaluated: 2023-05-21. Review status: criteria provided, single submitter. Criteria: Invitae Variant Classification Sherloc (09022015). Collection method: clinical testing. Allele origin: germline.
Comment: This sequence change replaces methionine, which is neutral and non-polar, with valine, which is neutral and non-polar, at codon 1297 of the DOCK8 protein (p.Met1297Val). This variant is present in population databases (rs765205695, gnomAD 0.003%). This variant has not been reported in the literature in individuals affected with DOCK8-related conditions. ClinVar contains an entry for this variant (Variation ID: 2199970). Advanced modeling of protein sequence and biophysical properties (such as structural, functional, and spatial information, amino acid conservation, physicochemical variation, residue mobility, and thermodynamic stability) performed at Invitae indicates that this missense variant is not expected to disrupt DOCK8 protein function. In summary, the available evidence is currently insufficient to determine the role of this variant in disease. Therefore, it has been classified as a Variant of Uncertain Significance.

NM_203447.4(DOCK8):c.3889A>G (p.Met1297Val)

Gene: DOCK8 (dedicator of cytokinesis 8; plus strand). Cytogenetic location: 9p24.3.
Variant type: single nucleotide variant.
Coding change: c.3889A>G on transcript NM_203447.4 (MANE Select); coding-DNA position 3889, A replaced by G.
Protein change: p.Met1297Val; replaces methionine 1297 with valine.
Molecular consequence: missense variant.
Genome position (GRCh38, 1-based): chr9:420,449, A>G. VCF-style: chr9-420449-A-G. GRCh37 (hg19) VCF-style: chr9-420449-A-G.
Other names: p.Met1297Val; c.3589A>G, p.Met1197Val (NM_001190458.2); c.3685A>G, p.Met1229Val (NM_001193536.2); short protein forms M1229V, M1197V, M1297V.
Identifiers: ClinVar variation 2199970 (VCV002199970.5), dbSNP rs765205695, ClinGen allele CA4958868.